The following is an entry in ClinVar:

NM_000381.4(MID1):c.1102C>T (p.Arg368Ter)

Gene: MID1 (midline 1; minus strand). Cytogenetic location: Xp22.2.
Variant type: single nucleotide variant.
Coding change: c.1102C>T on transcript NM_000381.4 (MANE Select); coding-DNA position 1102, C replaced by T.
Protein change: p.Arg368Ter; replaces arginine 368 with a stop codon.
Molecular consequence: nonsense.
Genome position (GRCh38, 1-based): chrX:10,474,662, G>A on the plus strand (C>T on the coding strand, the complement: MID1 is on the minus strand). VCF-style: chrX-10474662-G-A. GRCh37 (hg19) VCF-style: chrX-10442702-G-A.
Other names: c.1102C>T, p.Arg368Ter (NM_033290.4, NM_001098624.2, NM_001193277.1 and 2 more transcripts); c.1255C>T, p.Arg419Ter (NM_001193278.1); c.988C>T, p.Arg330Ter (NM_001193280.1, NM_033289.2); c.1102C>T (NM_000381.2); short protein forms R330*, R368*, R419*.
Identifiers: ClinVar variation 1702864 (VCV001702864.10), dbSNP rs2147287460, ClinGen allele CA412052512.
Genomic context (GRCh38, chrX:10,474,662, plus strand): 5'-AGAGAACATAAAAGACAATACCTGTAAGGTAATCCAGACATTCTAGCAGTTTCTTCTCTC[G>A]GGAAAAATCTAAGGCAAAGGTGTCAAATGTGTCATTGAGGTTGATTTCAGGAATTAGAAC-3'

ClinVar aggregate classification (germline): Pathogenic. Review status: criteria provided, multiple submitters, no conflicts (2 of 4 stars). 5 submissions from 5 submitters: Pathogenic (4). 1 of the submissions does not count toward it. Last evaluated 2026-01-04.

Conditions:
MID1-related disorder. Also called: MID1-related condition.
X-linked Opitz G/BBB syndrome (GBBB). Also called: OPITZ BBBG SYNDROME, TYPE I; OPITZ SYNDROME, X-LINKED; OPITZ-G SYNDROME, TYPE I; MID1-Related Opitz G/BBB Syndrome; Opitz-Frias syndrome. Identifiers: Orphanet 2745, MedGen C2936904, MONDO:0010222, OMIM 300000.

Submissions (5):

Labcorp Genetics (formerly Invitae), Labcorp
Classification: Pathogenic. Last evaluated: 2026-01-04. Review status: criteria provided, single submitter. Criteria: Invitae Variant Classification Sherloc (09022015). Collection method: clinical testing. Allele origin: germline.
Comment: This sequence change creates a premature translational stop signal (p.Arg368*) in the MID1 gene. It is expected to result in an absent or disrupted protein product. Loss-of-function variants in MID1 are known to be pathogenic (PMID: 15558842, 17221865, 21326312). This variant is not present in population databases (gnomAD no frequency). This premature translational stop signal has been observed in individual(s) with Opitz syndrome (PMID: 11030761, 25304119). ClinVar contains an entry for this variant (Variation ID: 1702864). For these reasons, this variant has been classified as Pathogenic.

Institute of Medical Genetics and Applied Genomics, University Hospital Tübingen
Classification: Pathogenic for X-linked Opitz G/BBB syndrome. Last evaluated: 2025-02-24. Review status: criteria provided, single submitter. Criteria: ACMG Guidelines, 2015. Collection method: clinical testing. Allele origin: germline. Inheritance: X-linked recessive inheritance. Affected: yes.

PreventionGenetics, part of Exact Sciences
Classification: Pathogenic for MID1-related condition. Last evaluated: 2024-12-04. Review status: criteria provided, single submitter. Criteria: ACMG Guidelines, 2015. Collection method: clinical testing. Allele origin: germline.
Comment: The MID1 c.1102C>T variant is predicted to result in premature protein termination (p.Arg368*). This variant was reported in individuals with Opitz G/BBB syndrome (Cox et al. 2000. PubMed ID: 11030761; Preiksaitiene et al. 2015. PubMed ID: 25304119; Mellis et al. 2021. PubMed ID: 34411415) and the variant occurred de novo in the patient (Mellis et al. 2021. PubMed ID: 34411415). This variant has not been reported in a large population database (gnomAD), indicating this variant is rare. Nonsense variants in MID1 are expected to be pathogenic. This variant is interpreted as pathogenic.

GeneDx
Classification: Pathogenic. Last evaluated: 2024-01-08. Review status: criteria provided, single submitter. Criteria: GeneDx Variant Classification Process June 2021. Collection method: clinical testing. Allele origin: germline. Affected: yes.
Comment: Nonsense variant predicted to result in protein truncation or nonsense mediated decay in a gene for which loss of function is a known mechanism of disease; Not observed in large population cohorts (gnomAD); This variant is associated with the following publications: (PMID: 25304119, 25525159, 34411415, 11030761)

GeneReviews
No classification provided. Condition: X-linked Opitz G/BBB syndrome. Review status: no classification provided. Collection method: literature only. Allele origin: germline. Not counted in ClinVar's aggregate classification.

Literature cited by the submitters: PubMed 15558842 (cited by Labcorp Genetics (formerly Invitae), Labcorp); PubMed 17221865 (cited by Labcorp Genetics (formerly Invitae), Labcorp); PubMed 21326312 (cited by Labcorp Genetics (formerly Invitae), Labcorp); PubMed 11030761 (cited by Labcorp Genetics (formerly Invitae), Labcorp); PubMed 25304119 (cited by Labcorp Genetics (formerly Invitae), Labcorp); NCBI Bookshelf NBK1327 (cited by GeneReviews).